The following is an entry in ClinVar:

NM_000059.4(BRCA2):c.809C>A (p.Ser270Ter)

Gene: BRCA2 (BRCA2 DNA repair associated; plus strand). Cytogenetic location: 13q13.1.
Variant type: single nucleotide variant.
Coding change: c.809C>A on transcript NM_000059.4 (MANE Select); coding-DNA position 809, C replaced by A.
Protein change: p.Ser270Ter; replaces serine 270 with a stop codon.
Molecular consequence: nonsense.
Genome position (GRCh38, 1-based): chr13:32,332,287, C>A. VCF-style: chr13-32332287-C-A. GRCh37 (hg19) VCF-style: chr13-32906424-C-A.
Other names: c.809C>A, p.Ser270Ter (NM_001406719.1, NM_001406720.1, NM_001406721.1); short protein forms S270*.
Identifiers: ClinVar variation 1761977 (VCV001761977.5), dbSNP rs276174902, ClinGen allele CA387760388.

ClinVar aggregate classification (germline): Pathogenic. Review status: criteria provided, multiple submitters, no conflicts (2 of 4 stars). 2 submissions from 2 submitters: Pathogenic (2). Last evaluated 2024-12-17.

Conditions:
Hereditary cancer-predisposing syndrome. Also called: Neoplastic Syndromes, Hereditary; Tumor predisposition; Hereditary Cancer Syndrome; Hereditary neoplastic syndrome. Identifiers: Orphanet 140162, MedGen C0027672, MeSH D009386, MONDO:0015356.
Hereditary breast ovarian cancer syndrome. Also called: Hereditary breast and ovarian cancer; Hereditary breast and ovarian cancer syndrome (HBOC); BRCA1- and BRCA2-Associated Hereditary Breast and Ovarian Cancer; Breast and ovarian cancer; Hereditary breast and/or ovarian cancer syndrome; Hereditary breast and ovarian cancer syndrome. Identifiers: Orphanet 145, MedGen C0677776, MeSH D061325, MONDO:0003582. Disease mechanism: loss of function.

Submissions (2):

Ambry Genetics
Classification: Pathogenic for Hereditary cancer-predisposing syndrome. Last evaluated: 2024-12-17. Review status: criteria provided, single submitter. Criteria: Ambry Variant Classification Scheme 2023. Collection method: clinical testing. Allele origin: germline.
Comment: The p.S270* pathogenic mutation (also known as c.809C>A), located in coding exon 9 of the BRCA2 gene, results from a C to A substitution at nucleotide position 809. This changes the amino acid from a serine to a stop codon within coding exon 9. This variant is considered to be rare based on population cohorts in the Genome Aggregation Database (gnomAD). This alteration is expected to result in loss of function by premature protein truncation or nonsense-mediated mRNA decay. As such, this alteration is interpreted as a disease-causing mutation.

Labcorp Genetics (formerly Invitae), Labcorp
Classification: Pathogenic for Hereditary breast ovarian cancer syndrome. Last evaluated: 2024-08-22. Review status: criteria provided, single submitter. Criteria: Invitae Variant Classification Sherloc (09022015). Collection method: clinical testing. Allele origin: germline.
Comment: This sequence change creates a premature translational stop signal (p.Ser270*) in the BRCA2 gene. It is expected to result in an absent or disrupted protein product. Loss-of-function variants in BRCA2 are known to be pathogenic (PMID: 20104584). This variant is not present in population databases (gnomAD no frequency). This variant has not been reported in the literature in individuals affected with BRCA2-related conditions. ClinVar contains an entry for this variant (Variation ID: 1761977). For these reasons, this variant has been classified as Pathogenic.

Literature cited by the submitters: PubMed 20104584 (cited by Labcorp Genetics (formerly Invitae), Labcorp).